The following is an entry in ClinVar:

ClinVar aggregate classification (germline): Uncertain significance. Review status: criteria provided, multiple submitters, no conflicts (2 of 4 stars). 2 submissions from 2 submitters: Uncertain significance (2). Last evaluated 2023-12-08.

Conditions:
Hereditary cancer-predisposing syndrome. Also called: Hereditary neoplastic syndrome; Neoplastic Syndromes, Hereditary; Tumor predisposition; Hereditary Cancer Syndrome. Identifiers: Orphanet 140162, MedGen C0027672, MeSH D009386, MONDO:0015356.
Cardiovascular phenotype. Identifiers: MedGen CN230736.
Neurofibromatosis, type 1 (NF1). Also called: NEUROFIBROMATOSIS, TYPE I, SOMATIC; Peripheral type neurofibromatosis; VON RECKLINGHAUSEN DISEASE; Neurofibromatosis, type I. Identifiers: Orphanet 636, MedGen C0027831, MONDO:0018975, OMIM 162200. Disease mechanism: loss of function.

Allele frequency attached by ClinVar (database versions not stated): gnomAD exomes below 0.00001; ExAC 0.00001.
gnomAD v4.1: 1 of 1,562,878 alleles (0.000064%); highest among the groups gnomAD compares: East Asian, 0.0024%; no homozygotes.

Submissions (2):

Ambry Genetics
Classification: Uncertain significance for Cardiovascular phenotype; Hereditary cancer-predisposing syndrome. Last evaluated: 2023-12-08. Review status: criteria provided, single submitter. Criteria: Ambry Variant Classification Scheme 2023. Collection method: clinical testing. Allele origin: germline.
Comment: The p.A188T variant (also known as c.562G>A), located in coding exon 5 of the NF1 gene, results from a G to A substitution at nucleotide position 562. The alanine at codon 188 is replaced by threonine, an amino acid with similar properties. This alteration was observed with an allele frequency of 0.00014 in 7,051 unselected female breast cancer patients and was not observed in 11,241 female controls of Japanese ancestry (Momozawa Y et al. Nat Commun, 2018 Oct;9:4083). In another study, this alteration was not seen in 1,292 biliary tract cancer patients but detected with a carrier frequency of 0.001 in 37,583 controls without a personal or family history of cancer in a Japanese cohort (Okawa Y et al. J Hepatol, 2023 Feb;78:333-342). This amino acid position is not well conserved in available vertebrate species. In addition, this alteration is predicted to be tolerated by in silico analysis. Since supporting evidence is limited at this time, the clinical significance of this alteration remains unclear.

Labcorp Genetics (formerly Invitae), Labcorp
Classification: Uncertain significance for Neurofibromatosis, type 1. Last evaluated: 2023-09-26. Review status: criteria provided, single submitter. Criteria: Invitae Variant Classification Sherloc (09022015). Collection method: clinical testing. Allele origin: germline.
Comment: This sequence change replaces alanine, which is neutral and non-polar, with threonine, which is neutral and polar, at codon 188 of the NF1 protein (p.Ala188Thr). This variant is present in population databases (rs778975931, gnomAD 0.006%). This variant has not been reported in the literature in individuals affected with NF1-related conditions. ClinVar contains an entry for this variant (Variation ID: 1005064). Advanced modeling of protein sequence and biophysical properties (such as structural, functional, and spatial information, amino acid conservation, physicochemical variation, residue mobility, and thermodynamic stability) performed at Invitae indicates that this missense variant is not expected to disrupt NF1 protein function. In summary, the available evidence is currently insufficient to determine the role of this variant in disease. Therefore, it has been classified as a Variant of Uncertain Significance.

NM_001042492.3(NF1):c.562G>A (p.Ala188Thr)

Gene: NF1 (neurofibromin 1; plus strand). Cytogenetic location: 17q11.2.
Variant type: single nucleotide variant.
Coding change: c.562G>A on transcript NM_001042492.3 (MANE Select); coding-DNA position 562, G replaced by A.
Protein change: p.Ala188Thr; replaces alanine 188 with threonine.
Molecular consequence: missense variant.
Genome position (GRCh38, 1-based): chr17:31,169,973, G>A. VCF-style: chr17-31169973-G-A. GRCh37 (hg19) VCF-style: chr17-29496991-G-A.
Other names: c.562G>A, p.Ala188Thr (NM_000267.4, NM_001128147.3); short protein forms A188T.
Identifiers: ClinVar variation 1005064 (VCV001005064.6), dbSNP rs778975931, ClinGen allele CA8485555.
Genomic context (GRCh38, chr17:31,169,973, plus strand): 5'-TCAGAAGACAATGTTGATGTTCATGATATAGAATTGTTACAGTATATCAATGTGGATTGT[G>A]CAAAATTAAAACGACTCCTGAAGGGTAAGTTTAAATGTATAATATATCTGAAAAAAATCA-3'
Protein context (NP_001035957.1, residues 178-198): ELLQYINVDC[Ala188Thr]KLKRLLKETA